The following is an entry in ClinVar:

NM_004006.3(DMD):c.650-39504C>T

Gene: DMD (dystrophin; minus strand). Cytogenetic location: Xp21.1.
Variant type: single nucleotide variant.
Coding change: c.650-39504C>T on transcript NM_004006.3 (MANE Select); 39504 bases into the intron before coding-DNA position 650, C replaced by T.
Molecular consequence: intron variant.
Genome position (GRCh38, 1-based): chrX:32,738,797, G>A on the plus strand (C>T on the coding strand, the complement: DMD is on the minus strand). VCF-style: chrX-32738797-G-A. GRCh37 (hg19) VCF-style: chrX-32756914-G-A.
Other names: c.626-39504C>T (NM_000109.4); c.638-39504C>T (NM_004009.3); c.281-39504C>T (NM_004010.3).
Identifiers: ClinVar variation 3059009 (VCV003059009.2), dbSNP rs2148150864, ClinGen allele CA2740092092.

ClinVar aggregate classification (germline): Likely benign (0 of 4 stars; one submission).

Conditions:
DMD-related disorder. Also called: DMD-related condition.

Submission:

PreventionGenetics, part of Exact Sciences
Classification: Likely benign for DMD-related condition. Last evaluated: 2024-03-01. Review status: no assertion criteria provided. Collection method: clinical testing. Allele origin: germline.
Comment: This variant is classified as likely benign based on ACMG/AMP sequence variant interpretation guidelines (Richards et al. 2015 PMID: 25741868, with internal and published modifications).